The following is an entry in ClinVar:

ClinVar aggregate classification (germline): Likely benign (1 of 4 stars; one submission).

Conditions:
TBC1D1-related disorder. Also called: TBC1D1-related condition.

gnomAD v4.1: 131 of 1,614,082 alleles (0.0081%); highest among the groups gnomAD compares: African/African-American, 0.16%; no homozygotes.

Submission:

PreventionGenetics, part of Exact Sciences
Classification: Likely benign for TBC1D1-related condition. Last evaluated: 2025-03-01. Review status: criteria provided, single submitter. Criteria: ACMG Guidelines, 2015. Collection method: clinical testing. Allele origin: germline.
Comment: This variant is classified as likely benign based on ACMG/AMP sequence variant interpretation guidelines (Richards et al. 2015 PMID: 25741868, with internal and published modifications).

NM_001396959.1(TBC1D1):c.1849G>A (p.Val617Ile)

Gene: TBC1D1 (TBC1 domain family member 1; plus strand). Cytogenetic location: 4p14.
Variant type: single nucleotide variant.
Coding change: c.1849G>A on transcript NM_001396959.1 (MANE Select); coding-DNA position 1849, G replaced by A.
Protein change: p.Val617Ile; replaces valine 617 with isoleucine.
Molecular consequence: missense variant.
Genome position (GRCh38, 1-based): chr4:38,049,837, G>A. VCF-style: chr4-38049837-G-A. GRCh37 (hg19) VCF-style: chr4-38051458-G-A.
Other names: c.1849G>A, p.Val617Ile (NM_001253912.2, NM_015173.4); short protein forms V617I.
Identifiers: ClinVar variation 4990204 (VCV004990204.1).